The following is an entry in ClinVar:

ClinVar aggregate classification (germline): Uncertain significance (1 of 4 stars; one submission).

Conditions:
Neurofibromatosis, type 1 (NF1). Also called: Neurofibromatosis, type I; NEUROFIBROMATOSIS, TYPE I, SOMATIC; Peripheral type neurofibromatosis; VON RECKLINGHAUSEN DISEASE. Identifiers: Orphanet 636, MedGen C0027831, MONDO:0018975, OMIM 162200. Disease mechanism: loss of function.

Submission:

Labcorp Genetics (formerly Invitae), Labcorp
Classification: Uncertain significance for Neurofibromatosis, type 1. Last evaluated: 2023-06-23. Review status: criteria provided, single submitter. Criteria: Invitae Variant Classification Sherloc (09022015). Collection method: clinical testing. Allele origin: germline.
Comment: This sequence change replaces leucine, which is neutral and non-polar, with valine, which is neutral and non-polar, at codon 87 of the NF1 protein (p.Leu87Val). This variant is not present in population databases (gnomAD no frequency). This variant has not been reported in the literature in individuals affected with NF1-related conditions. Advanced modeling of protein sequence and biophysical properties (such as structural, functional, and spatial information, amino acid conservation, physicochemical variation, residue mobility, and thermodynamic stability) performed at Invitae indicates that this missense variant is expected to disrupt NF1 protein function. In summary, the available evidence is currently insufficient to determine the role of this variant in disease. Therefore, it has been classified as a Variant of Uncertain Significance.

NM_001042492.3(NF1):c.259T>G (p.Leu87Val)

Gene: NF1 (neurofibromin 1; plus strand). Cytogenetic location: 17q11.2.
Variant type: single nucleotide variant.
Coding change: c.259T>G on transcript NM_001042492.3 (MANE Select); coding-DNA position 259, T replaced by G.
Protein change: p.Leu87Val; replaces leucine 87 with valine.
Molecular consequence: missense variant.
Genome position (GRCh38, 1-based): chr17:31,159,064, T>G. VCF-style: chr17-31159064-T-G. GRCh37 (hg19) VCF-style: chr17-29486082-T-G.
Other names: c.259T>G, p.Leu87Val (NM_000267.4, NM_001128147.3); short protein forms L87V.
Identifiers: ClinVar variation 2726743 (VCV002726743.3), dbSNP rs2143646265, ClinGen allele CA398989714.